The following is an entry in ClinVar:

NM_001264.5(CDSN):c.870C>A (p.Asp290Glu)

Genes: CDSN (corneodesmosin; minus strand), PSORS1C1 (psoriasis susceptibility 1 candidate 1; plus strand). Cytogenetic location: 6p21.33.
Variant type: single nucleotide variant.
Coding change: c.870C>A on transcript NM_001264.5 (MANE Select); coding-DNA position 870, C replaced by A.
Protein change: p.Asp290Glu; replaces aspartic acid 290 with glutamic acid.
Molecular consequence: missense variant. On other transcripts: intron variant (1).
Genome position (GRCh38, 1-based): chr6:31,116,745, G>T on the plus strand (C>A on the coding strand, the complement: CDSN is on the minus strand). VCF-style: chr6-31116745-G-T. GRCh37 (hg19) VCF-style: chr6-31084522-G-T.
Other names: c.-229+1854G>T (NM_014068.3); short protein forms D290E.
Identifiers: ClinVar variation 1049878 (VCV001049878.5), dbSNP rs747535254, ClinGen allele CA3708410.

ClinVar aggregate classification (germline): Uncertain significance. Review status: criteria provided, single submitter (1 of 4 stars). 2 submissions from 2 submitters: Uncertain significance (1). 1 of the submissions does not count toward it. Last evaluated 2024-12-31.

Conditions:
Inborn genetic diseases. Identifiers: MedGen C0950123, MeSH D030342.

Allele frequency attached by ClinVar (database versions not stated): ExAC 0.00003.
gnomAD v4.1: 31 of 1,612,932 alleles (0.0019%); highest among the groups gnomAD compares: Non-Finnish European, 0.0023%; no homozygotes.

Submissions (2):

Ambry Genetics
Classification: Uncertain significance for Inborn genetic diseases. Last evaluated: 2024-12-31. Review status: criteria provided, single submitter. Criteria: Ambry Variant Classification Scheme 2023. Collection method: clinical testing. Allele origin: germline.

Department of Pathology and Laboratory Medicine, Sinai Health System
Classification: Uncertain significance. Review status: no assertion criteria provided. Collection method: clinical testing. Allele origin: unknown. Affected: yes. Study: The Canadian Open Genetics Repository (COGR). Not counted in ClinVar's aggregate classification.
Comment: The CDSN p.Asp290Glu variant was not identified in the literature nor was it identified in ClinVar. The variant was identified in dbSNP (ID: rs747535254) and in control databases in 5 of 245962 chromosomes at a frequency of 0.00002033 (Genome Aggregation Database March 6, 2019, v2.1.1). The variant was observed in the European (non-Finnish) population in 5 of 110414 chromosomes (freq: 0.000045), but was not observed in the African, Latino, Ashkenazi Jewish, East Asian, European (Finnish), Other, or South Asian populations. The p.Asp290 residue is not conserved in mammals and computational analyses (PolyPhen-2, SIFT, AlignGVGD, BLOSUM, MutationTaster) do not suggest a high likelihood of impact to the protein; however, this information is not predictive enough to rule out pathogenicity. The variant occurs outside of the splicing consensus sequence and in silico or computational prediction software programs (SpliceSiteFinder, MaxEntScan, NNSPLICE, GeneSplicer) do not predict a difference in splicing. In summary, based on the above information the clinical significance of this variant cannot be determined with certainty at this time. This variant is classified as a variant of uncertain significance.